The following is an entry in ClinVar:

ClinVar aggregate classification (germline): Uncertain significance. Review status: criteria provided, multiple submitters, no conflicts (2 of 4 stars). 2 submissions from 2 submitters: Uncertain significance (2). Last evaluated 2026-06-03.

Conditions:
Hereditary cancer-predisposing syndrome. Also called: Neoplastic Syndromes, Hereditary; Tumor predisposition; Hereditary Cancer Syndrome; Hereditary neoplastic syndrome. Identifiers: Orphanet 140162, MedGen C0027672, MeSH D009386, MONDO:0015356.
EGFR-related lung cancer (EGFR). Identifiers: MedGen CN130014.

Submissions (2):

Ambry Genetics
Classification: Uncertain significance for Hereditary cancer-predisposing syndrome. Last evaluated: 2026-06-03. Review status: criteria provided, single submitter. Criteria: Ambry Variant Classification Scheme 2023. Collection method: clinical testing. Allele origin: germline.
Comment: The p.I673V variant (also known as c.2017A>G), located in coding exon 17 of the EGFR gene, results from an A to G substitution at nucleotide position 2017. The isoleucine at codon 673 is replaced by valine, an amino acid with highly similar properties. This amino acid position is conserved. In addition, the in silico prediction for this alteration is inconclusive. Based on the available evidence, the clinical significance of this variant remains unclear.

Labcorp Genetics (formerly Invitae), Labcorp
Classification: Uncertain significance for EGFR-related lung cancer. Last evaluated: 2021-12-14. Review status: criteria provided, single submitter. Criteria: Invitae Variant Classification Sherloc (09022015). Collection method: clinical testing. Allele origin: germline.
Comment: In summary, the available evidence is currently insufficient to determine the role of this variant in disease. Therefore, it has been classified as a Variant of Uncertain Significance. Algorithms developed to predict the effect of missense changes on protein structure and function (SIFT, PolyPhen-2, Align-GVGD) all suggest that this variant is likely to be tolerated. This variant has not been reported in the literature in individuals affected with EGFR-related conditions. This variant is not present in population databases (gnomAD no frequency). This sequence change replaces isoleucine, which is neutral and non-polar, with valine, which is neutral and non-polar, at codon 673 of the EGFR protein (p.Ile673Val).

NM_005228.5(EGFR):c.2017A>G (p.Ile673Val)

Gene: EGFR (epidermal growth factor receptor; plus strand). Cytogenetic location: 7p11.2.
Variant type: single nucleotide variant.
Coding change: c.2017A>G on transcript NM_005228.5 (MANE Select); coding-DNA position 2017, A replaced by G.
Protein change: p.Ile673Val; replaces isoleucine 673 with valine.
Molecular consequence: missense variant.
Genome position (GRCh38, 1-based): chr7:55,173,080, A>G. VCF-style: chr7-55173080-A-G. GRCh37 (hg19) VCF-style: chr7-55240773-A-G.
Other names: c.1882A>G, p.Ile628Val (NM_001346897.2, NM_001346899.2); c.2017A>G, p.Ile673Val (NM_001346898.2); c.1858A>G, p.Ile620Val (NM_001346900.2); c.1216A>G, p.Ile406Val (NM_001346941.2); short protein forms I620V, I673V, I406V, I628V.
Identifiers: ClinVar variation 2042745 (VCV002042745.5), dbSNP rs1199980775, ClinGen allele CA367583154.
Genomic context (GRCh38, chr7:55,173,080, plus strand): 5'-GCCCTCCTCTTGCTGCTGGTGGTGGCCCTGGGGATCGGCCTCTTCATGCGAAGGCGCCAC[A>G]TCGTTCGGAAGCGCACGCTGCGGAGGCTGCTGCAGGAGAGGGAGGTGAGTGCCAGTCCTG-3'
Protein context (NP_005219.2, residues 663-683): GIGLFMRRRH[Ile673Val]VRKRTLRRLL